The following is an entry in ClinVar:

NM_000492.4(CFTR):c.1718C>G (p.Ser573Cys)

Gene: CFTR (CF transmembrane conductance regulator; plus strand). Cytogenetic location: 7q31.2.
Variant type: single nucleotide variant.
Coding change: c.1718C>G on transcript NM_000492.4 (MANE Select); coding-DNA position 1718, C replaced by G.
Protein change: p.Ser573Cys; replaces serine 573 with cysteine.
Molecular consequence: missense variant.
Genome position (GRCh38, 1-based): chr7:117,590,391, C>G. VCF-style: chr7-117590391-C-G. GRCh37 (hg19) VCF-style: chr7-117230445-C-G.
Other names: short protein forms S573C.
Identifiers: ClinVar variation 2064880 (VCV002064880.4), dbSNP rs772223589, ClinGen allele CA368977184.

ClinVar aggregate classification (germline): Uncertain significance. Review status: criteria provided, multiple submitters, no conflicts (2 of 4 stars). 2 submissions from 2 submitters: Uncertain significance (2). Last evaluated 2026-06-29.

Conditions:
Cystic fibrosis (CF). Also called: MUCOVISCIDOSIS. Identifiers: Orphanet 586, MedGen C0010674, MONDO:0009061, OMIM 219700. Disease mechanism: loss of function.

gnomAD v4.1: 1 of 1,603,430 alleles (0.000062%); highest among the groups gnomAD compares: Admixed American, 0.0017%; no homozygotes.

Submissions (2):

Women's Health and Genetics/Laboratory Corporation of America, LabCorp
Classification: Uncertain significance. Last evaluated: 2026-06-29. Review status: criteria provided, single submitter. Criteria: LabCorp Variant Classification Summary - May 2015. Collection method: clinical testing. Allele origin: germline.
Comment: Variant summary: CFTR c.1718C>G (p.Ser573Cys) results in a non-conservative amino acid change located in the ABC transporter-like, ATP-binding domain (IPR003439) of the encoded protein sequence. Algorithms developed to predict the effect of missense changes on protein structure and function all suggest that this variant is likely to be disruptive. The variant allele was found at a frequency of 4e-06 in 250418 control chromosomes. The available data on variant occurrences in the general population are insufficient to allow any conclusion about variant significance. c.1718C>G has been reported in the literature in at least one individual affected with Chronic Pancreatitis (e.g., Schrijver_2005, Keiles_2006). These data do not allow any conclusion about variant significance. At least one publication reports experimental evidence evaluating an impact on protein function, finding that the variant leads to a ~20% reduction in whole-cell chloride currents and conductance relative to wild type in a Xenopus oocyte model (e.g., Kongsuphol_2010). The following publications have been ascertained in the context of this evaluation (PMID: 17003641, 20332619, 15858154). ClinVar contains an entry for this variant (Variation ID: 2064880). Based on the evidence outlined above, the variant was classified as uncertain significance.

Labcorp Genetics (formerly Invitae), Labcorp
Classification: Uncertain significance for Cystic fibrosis. Last evaluated: 2022-02-10. Review status: criteria provided, single submitter. Criteria: Invitae Variant Classification Sherloc (09022015). Collection method: clinical testing. Allele origin: germline.
Comment: This sequence change replaces serine, which is neutral and polar, with cysteine, which is neutral and slightly polar, at codon 573 of the CFTR protein (p.Ser573Cys). This variant is present in population databases (no rsID available, gnomAD 0.003%). This missense change has been observed in individual(s) with pancreatitis (PMID: 17003641). Algorithms developed to predict the effect of missense changes on protein structure and function are either unavailable or do not agree on the potential impact of this missense change (SIFT: "Tolerated"; PolyPhen-2: "Possibly Damaging"; Align-GVGD: "Class C15"). Experimental studies have shown that this missense change affects CFTR function (PMID: 20332619). In summary, the available evidence is currently insufficient to determine the role of this variant in disease. Therefore, it has been classified as a Variant of Uncertain Significance.

Literature cited by the submitters: PubMed 15858154 (cited by Women's Health and Genetics/Laboratory Corporation of America, LabCorp); PubMed 17003641 (cited by Women's Health and Genetics/Laboratory Corporation of America, LabCorp and Labcorp Genetics (formerly Invitae), Labcorp); PubMed 20332619 (cited by Women's Health and Genetics/Laboratory Corporation of America, LabCorp and Labcorp Genetics (formerly Invitae), Labcorp).